The following is an entry in ClinVar:

NM_015450.3(POT1):c.281_282del (p.Gln94fs)

Gene: POT1 (protection of telomeres 1; minus strand). Cytogenetic location: 7q31.33.
Variant type: Deletion.
Coding change: c.281_282del on transcript NM_015450.3 (MANE Select); coding-DNA positions 281 to 282, 2 bases deleted (AG; older notation c.281_282delAG).
Protein change: p.Gln94fs; shifts the reading frame from glutamine 94.
Molecular consequence: frameshift variant. On other transcripts: 5 prime UTR variant (1), non-coding transcript variant (3).
Genome position (GRCh38, 1-based): chr7:124,863,614-124,863,615, CT deleted on the plus strand (AG on the coding strand, the reverse complement: POT1 is on the minus strand). VCF-style (leftmost placement, unchanged base first): chr7-124863613-CCT-C. GRCh37 (hg19) VCF-style: chr7-124503667-CCT-C.
Other names: c.-113_-112del (NM_001042594.2); c.281_282del (NM_015450.2); short protein forms Q94fs.
Identifiers: ClinVar variation 545902 (VCV000545902.12), dbSNP rs1397398300, ClinGen allele CA577682109.
Genomic context (GRCh38, chr7:124,863,613, plus strand): 5'-TGATAGGGGCTCCCAAAGTTCCCTCAAACGTCAAAGATGCAAAGCCAGAGCTGGTGATAC[CCT>C]GAGTCTCCTTTTTATATACTTGAATCTAAGAAAGTAGGGCAAAGTAGAAAACAGATACAA-3'

ClinVar aggregate classification (germline): Pathogenic/Likely pathogenic. Review status: criteria provided, multiple submitters, no conflicts (2 of 4 stars). 3 submissions from 3 submitters: Pathogenic (2); Likely pathogenic (1). Last evaluated 2025-07-29.

Conditions:
Tumor predisposition syndrome 3 (TPDS3). Also called: Glioma susceptibility 9; LONG TELOMERE SYNDROME, POT1-RELATED; POT1 Tumor Predisposition; Melanoma, cutaneous malignant, susceptibility to, 10. Identifiers: Orphanet 618, MedGen C4014476, MONDO:0014368, OMIM 615848.
Hereditary cancer-predisposing syndrome. Also called: Hereditary Cancer Syndrome; Neoplastic Syndromes, Hereditary; Hereditary neoplastic syndrome; Tumor predisposition. Identifiers: Orphanet 140162, MedGen C0027672, MeSH D009386, MONDO:0015356.

Allele frequency attached by ClinVar (database versions not stated): gnomAD exomes below 0.00001.

Submissions (3):

Labcorp Genetics (formerly Invitae), Labcorp
Classification: Pathogenic for Tumor predisposition syndrome 3. Last evaluated: 2025-07-29. Review status: criteria provided, single submitter. Criteria: Invitae Variant Classification Sherloc (09022015). Collection method: clinical testing. Allele origin: germline.
Comment: This sequence change creates a premature translational stop signal (p.Gln94Argfs*13) in the POT1 gene. It is expected to result in an absent or disrupted protein product. Loss-of-function variants in POT1 are known to be pathogenic (PMID: 32155570). This variant is present in population databases (no rsID available, gnomAD 0.006%). This variant has not been reported in the literature in individuals affected with POT1-related conditions. ClinVar contains an entry for this variant (Variation ID: 545902). For these reasons, this variant has been classified as Pathogenic.

Ambry Genetics
Classification: Pathogenic for Hereditary cancer-predisposing syndrome. Last evaluated: 2023-12-27. Review status: criteria provided, single submitter. Criteria: Ambry Variant Classification Scheme 2023. Collection method: clinical testing. Allele origin: germline.
Comment: The c.281_282delAG pathogenic mutation, located in coding exon 4 of the POT1 gene, results from a deletion of two nucleotides at nucleotide positions 281 to 282, causing a translational frameshift with a predicted alternate stop codon (p.Q94Rfs*13). In addition to the clinical data presented in the literature, this alteration is expected to result in loss of function by premature protein truncation or nonsense-mediated mRNA decay. As such, this alteration is interpreted as a disease-causing mutation.

GeneDx
Classification: Likely pathogenic. Last evaluated: 2020-05-22. Review status: criteria provided, single submitter. Criteria: GeneDx Variant Classification Process June 2021. Collection method: clinical testing. Allele origin: germline. Affected: yes.
Comment: Frameshift variant predicted to result in protein truncation or nonsense mediated decay in a gene for which loss-of-function is a known mechanism of disease; Not observed at a significant frequency in large population cohorts (Lek 2016); Has not been previously published as pathogenic or benign to our knowledge

Literature cited by the submitters: PubMed 32155570 (cited by Labcorp Genetics (formerly Invitae), Labcorp); PubMed 32907878 (cited by Ambry Genetics).